The following is an entry in ClinVar:

NM_023110.3(FGFR1):c.2302G>T (p.Asp768Tyr)

Gene: FGFR1 (fibroblast growth factor receptor 1; minus strand). Cytogenetic location: 8p11.23.
Variant type: single nucleotide variant.
Coding change: c.2302G>T on transcript NM_023110.3 (MANE Select); coding-DNA position 2302, G replaced by T.
Protein change: p.Asp768Tyr; replaces aspartic acid 768 with tyrosine.
Molecular consequence: missense variant. On other transcripts: intron variant (3).
Genome position (GRCh38, 1-based): chr8:38,413,795, C>A on the plus strand (G>T on the coding strand, the complement: FGFR1 is on the minus strand). VCF-style: chr8-38413795-C-A. GRCh37 (hg19) VCF-style: chr8-38271313-C-A.
Other names: c.2296G>T, p.Asp766Tyr (NM_001174063.2, NM_001174065.2, NM_015850.4); c.2272G>T, p.Asp758Tyr (NM_001174064.2); c.2035G>T, p.Asp679Tyr (NM_001174066.2, NM_023105.3); c.2395G>T, p.Asp799Tyr (NM_001174067.2); c.2023G>T, p.Asp675Tyr (NM_001354368.2); c.2029G>T, p.Asp677Tyr (NM_023106.3); c.2019+123G>T (NM_001354370.2); c.2286+123G>T (NM_001354367.2); and 2 more; short protein forms D768Y, D677Y, D675Y, D766Y, D679Y, D758Y, D799Y.
Identifiers: ClinVar variation 16302 (VCV000016302.2), dbSNP rs121909644, ClinGen allele CA260624.

ClinVar aggregate classification (germline): Uncertain significance. Review status: criteria provided, single submitter (1 of 4 stars). 2 submissions from 2 submitters: Uncertain significance (1). 1 of the submissions does not count toward it. Last evaluated 2023-05-04.

Conditions:
Hypogonadotropic hypogonadism 2 with or without anosmia (HH2). Also called: HYPOGONADOTROPIC HYPOGONADISM 2 WITH OR WITHOUT ANOSMIA, SUSCEPTIBILITY TO; HYPOGONADOTROPIC HYPOGONADISM 2 WITHOUT ANOSMIA, SUSCEPTIBILITY TO; HYPOGONADOTROPIC HYPOGONADISM 2 WITHOUT ANOSMIA; FGFR1-Related GnRH Deficiency (Kallmann Syndrome 2). Identifiers: Orphanet 478, MedGen C1563720, MONDO:0007844, OMIM 147950. Disease mechanism: loss of function.

Submissions (2):

Reproductive Endocrine Unit, Massachusetts General Hospital
Classification: Uncertain significance for Hypogonadotropic hypogonadism 2 with or without anosmia. Last evaluated: 2023-05-04. Review status: criteria provided, single submitter. Criteria: ACMG Guidelines, 2015. Collection method: research. Allele origin: unknown. Affected: yes. Observed: 1 variant allele.
Comment: The variant has been classified as VUS based on the variant meeting the following ACMG Criteria: PM2,PP3.

OMIM
Classification: risk factor for HYPOGONADOTROPIC HYPOGONADISM 2 WITHOUT ANOSMIA, SUSCEPTIBILITY TO. Last evaluated: 2008-08-01. Review status: no assertion criteria provided. Collection method: literature only. Allele origin: germline. Not counted in ClinVar's aggregate classification.

Literature cited by the submitters: PubMed 18596921 (cited by OMIM).